The following is an entry in ClinVar:

ClinVar aggregate classification (germline): Conflicting classifications of pathogenicity. Review status: criteria provided, conflicting classifications (1 of 4 stars). 4 submissions from 4 submitters: Uncertain significance (3); Likely benign (1). Last evaluated 2025-10-14.

Conditions:
Osteogenesis imperfecta (OI). Identifiers: Orphanet 666, MedGen C0029434, MeSH D010013, MONDO:0019019.
Osteogenesis imperfecta type 9 (OI9). Also called: Oi type IX; OI 9; Osteogenesis imperfecta sillence type II/III without abnormality of type I collagen. Identifiers: MedGen C1850169, MONDO:0009805, OMIM 259440.

Allele frequency attached by ClinVar (database versions not stated): 1000 Genomes Project 30x 0.00016; TOPMed 0.00043; ESP Exome Variant Server 0.00046; gnomAD 0.00050.
gnomAD v4.1: 986 of 1,612,500 alleles (0.061%); highest among the groups gnomAD compares: Non-Finnish European, 0.068%; no homozygotes.

Submissions (4):

Women's Health and Genetics/Laboratory Corporation of America, LabCorp
Classification: Uncertain significance. Last evaluated: 2025-10-14. Review status: criteria provided, single submitter. Criteria: LabCorp Variant Classification Summary - May 2015. Collection method: clinical testing. Allele origin: germline.
Comment: Variant summary: PPIB c.-9C>G is located in the untranslated mRNA region upstream of the initiation codon. The variant allele was found at a frequency of 0.00053 in 245602 control chromosomes. This frequency is not significantly higher than estimated for disease-causing variants in PPIB, allowing no conclusion about variant significance. To our knowledge, no occurrence of c.-9C>G in individuals affected with PPIB-related conditions and no experimental evidence demonstrating its impact on protein function have been reported. ClinVar contains an entry for this variant (Variation ID: 888474). Based on the evidence outlined above, the variant was classified as uncertain significance.

Mayo Clinic Laboratories, Mayo Clinic
Classification: Likely benign. Last evaluated: 2025-08-25. Review status: criteria provided, single submitter. Criteria: ACMG Guidelines, 2015. Collection method: clinical testing. Allele origin: germline. Observed: 1 variant allele.
Comment: BP4, BP7

Genome Diagnostics Laboratory, The Hospital for Sick Children
Classification: Uncertain significance for Osteogenesis imperfecta. Last evaluated: 2021-02-26. Review status: criteria provided, single submitter. Criteria: ACMG Guidelines, 2015. Collection method: clinical testing. Allele origin: germline.

Illumina Laboratory Services, Illumina
Classification: Uncertain significance for Osteogenesis imperfecta type 9. Last evaluated: 2018-01-13. Review status: criteria provided, single submitter. Criteria: ICSL Variant Classification Criteria 13 December 2019. Collection method: clinical testing. Allele origin: germline.

NM_000942.5(PPIB):c.-9C>G

Gene: PPIB (peptidylprolyl isomerase B; minus strand). Cytogenetic location: 15q22.31.
Variant type: single nucleotide variant.
Coding change: c.-9C>G on transcript NM_000942.5 (MANE Select); 9 bases upstream of the start codon, C replaced by G.
Molecular consequence: 5 prime UTR variant.
Genome position (GRCh38, 1-based): chr15:64,162,995, G>C on the plus strand (C>G on the coding strand, the complement: PPIB is on the minus strand). VCF-style: chr15-64162995-G-C. GRCh37 (hg19) VCF-style: chr15-64455194-G-C.
Identifiers: ClinVar variation 888474 (VCV000888474.9), dbSNP rs367616150, ClinGen allele CA7608648.